The following is an entry in ClinVar:

ClinVar aggregate classification (germline): Uncertain significance. Review status: criteria provided, multiple submitters, no conflicts (2 of 4 stars). 5 submissions from 5 submitters: Uncertain significance (4). 1 of the submissions does not count toward it. Last evaluated 2024-12-17.

Conditions:
Glucose-6-phosphate transport defect (GSD1B). Also called: Glycogen Storage Disease Type Ib; GSD Ib. Identifiers: Orphanet 364, Orphanet 79259, MedGen C0268146, MONDO:0009288, OMIM 232220.

Allele frequency attached by ClinVar (database versions not stated): gnomAD 0.00002; gnomAD exomes 0.00003 and 0.00004; TOPMed 0.00003; ExAC 0.00005; ESP Exome Variant Server 0.00008.

Submissions (5):

Labcorp Genetics (formerly Invitae), Labcorp
Classification: Uncertain significance for Glucose-6-phosphate transport defect. Last evaluated: 2024-12-17. Review status: criteria provided, single submitter. Criteria: Invitae Variant Classification Sherloc (09022015). Collection method: clinical testing. Allele origin: germline.
Comment: This sequence change replaces arginine, which is basic and polar, with cysteine, which is neutral and slightly polar, at codon 418 of the SLC37A4 protein (p.Arg418Cys). This variant is present in population databases (rs376140990, gnomAD 0.009%). This variant has not been reported in the literature in individuals affected with SLC37A4-related conditions. ClinVar contains an entry for this variant (Variation ID: 593207). Invitae Evidence Modeling of protein sequence and biophysical properties (such as structural, functional, and spatial information, amino acid conservation, physicochemical variation, residue mobility, and thermodynamic stability) indicates that this missense variant is not expected to disrupt SLC37A4 protein function with a negative predictive value of 80%. In summary, the available evidence is currently insufficient to determine the role of this variant in disease. Therefore, it has been classified as a Variant of Uncertain Significance.

GeneDx
Classification: Uncertain significance. Last evaluated: 2024-07-16. Review status: criteria provided, single submitter. Criteria: GeneDx Variant Classification Process June 2021. Collection method: clinical testing. Allele origin: germline. Affected: yes.
Comment: Not observed at significant frequency in large population cohorts (gnomAD); In silico analysis indicates that this missense variant does not alter protein structure/function; Has not been previously published as pathogenic or benign to our knowledge

Mayo Clinic Laboratories, Mayo Clinic
Classification: Uncertain significance. Last evaluated: 2023-12-07. Review status: criteria provided, single submitter. Criteria: ACMG Guidelines, 2015. Collection method: clinical testing. Allele origin: germline. Observed: 1 variant allele.
Comment: BP4

Eurofins Ntd Llc (ga)
Classification: Uncertain significance. Last evaluated: 2017-07-12. Review status: criteria provided, single submitter. Criteria: EGL Classification Definitions 2015. Collection method: clinical testing. Allele origin: germline. Observed: 1 variant allele, 1 heterozygote.

Natera, Inc.
Classification: Uncertain significance for Glycogen storage disease type Ib. Last evaluated: 2020-04-16. Review status: no assertion criteria provided. Collection method: clinical testing. Allele origin: germline. Not counted in ClinVar's aggregate classification.

NM_001164277.2(SLC37A4):c.1252C>T (p.Arg418Cys)

Gene: SLC37A4 (solute carrier family 37 member 4; minus strand). Cytogenetic location: 11q23.3.
Variant type: single nucleotide variant.
Coding change: c.1252C>T on transcript NM_001164277.2 (MANE Select); coding-DNA position 1252, C replaced by T.
Protein change: p.Arg418Cys; replaces arginine 418 with cysteine.
Molecular consequence: missense variant.
Genome position (GRCh38, 1-based): chr11:119,024,948, G>A on the plus strand (C>T on the coding strand, the complement: SLC37A4 is on the minus strand). VCF-style: chr11-119024948-G-A. GRCh37 (hg19) VCF-style: chr11-118895658-G-A.
Other names: p.Arg418Cys; c.1318C>T, p.Arg440Cys (NM_001164278.2); c.1033C>T, p.Arg345Cys (NM_001164279.2); c.1252C>T, p.Arg418Cys (NM_001164280.2, NM_001467.6); short protein forms R418C, R440C, R345C.
Identifiers: ClinVar variation 593207 (VCV000593207.12), dbSNP rs376140990, ClinGen allele CA6311585.